The following is an entry in ClinVar:

NM_014727.3(KMT2B):c.3799G>A (p.Glu1267Lys)

Gene: KMT2B (lysine methyltransferase 2B; plus strand). Cytogenetic location: 19q13.12.
Variant type: single nucleotide variant.
Coding change: c.3799G>A on transcript NM_014727.3 (MANE Select); coding-DNA position 3799, G replaced by A.
Protein change: p.Glu1267Lys; replaces glutamic acid 1267 with lysine.
Molecular consequence: missense variant.
Genome position (GRCh38, 1-based): chr19:35,725,732, G>A. VCF-style: chr19-35725732-G-A. GRCh37 (hg19) VCF-style: chr19-36216633-G-A.
Other names: short protein forms E1267K.
Identifiers: ClinVar variation 5008318 (VCV005008318.1).

ClinVar aggregate classification (germline): Uncertain significance (1 of 4 stars; one submission).

Submission:

GeneDx
Classification: Uncertain significance. Last evaluated: 2026-03-03. Review status: criteria provided, single submitter. Criteria: GeneDx Variant Classification Process June 2021. Collection method: clinical testing. Allele origin: germline.
Comment: Not observed at significant frequency in large population cohorts (gnomAD); In silico analysis supports that this missense variant has a deleterious effect on protein structure/function; Has not been previously published as pathogenic or benign to our knowledge